The following is an entry in ClinVar:

NM_001023.4(RPS20):c.4-19_4-16delinsCTCG

Gene: RPS20 (ribosomal protein S20; minus strand). Cytogenetic location: 8q12.1.
Variant type: Indel.
Coding change: c.4-19_4-16delinsCTCG on transcript NM_001023.4 (MANE Select); 19 bases into the intron before coding-DNA position 4 through 16 bases into the intron before coding-DNA position 4, TTCA replaced by CTCG.
Molecular consequence: intron variant.
Genome position (GRCh38, 1-based): chr8:56,074,175-56,074,178, TGAA replaced by CGAG on the plus strand (TTCA replaced by CTCG on the coding strand, the reverse complement: RPS20 is on the minus strand). VCF-style: chr8-56074175-TGAA-CGAG. GRCh37 (hg19) VCF-style: chr8-56986734-TGAA-CGAG.
Other names: c.4-19_4-16delinsCTCG (NM_001146227.3).
Identifiers: ClinVar variation 5042353 (VCV005042353.1).
Genomic context (GRCh38, chr8:56,074,175, plus strand): 5'-TGCCACCTCCGGCTCCACGGGTGTTTTTCCGGTATCCTTAAAAGCCTATTATTAGATACA[TGAA>CGAG]AAAGAACAATAAGCCAAAAATGGTCTGCCACTTCTGGAGAAAGGCAGCTTCCGGAAGCTT-3'

ClinVar aggregate classification (germline): Likely benign (1 of 4 stars; one submission).

Conditions:
Familial colorectal cancer type X. Identifiers: Orphanet 440437, MedGen C3896578, MONDO:0018604.

Submission:

Myriad Genetics, Inc.
Classification: Likely benign for Familial colorectal cancer type X. Last evaluated: 2026-07-31. Review status: criteria provided, single submitter. Criteria: Myriad Autosomal Dominant, Autosomal Recessive and X-Linked Classification Criteria (2023). Collection method: clinical testing. Allele origin: unknown.
Comment: This variant is considered likely benign. This variant is intronic and is not expected to impact mRNA splicing.